The following is an entry in ClinVar:

ClinVar aggregate classification (germline): Uncertain significance (1 of 4 stars; one submission).

Conditions:
Hypertrophic cardiomyopathy 4. Also called: Familial hypertrophic cardiomyopathy 4. Identifiers: MedGen C1861862, MONDO:0007268, OMIM 115197.

Submission:

3billion
Classification: Uncertain significance for Hypertrophic cardiomyopathy 4. Last evaluated: 2023-08-11. Review status: criteria provided, single submitter. Criteria: ACMG Guidelines, 2015. Collection method: clinical testing. Allele origin: germline. Affected: yes.
Comment: The variant is not observed in the gnomAD v2.1.1 dataset. Predicted Consequence/Location: Synonymous variant In silico tools predict the variant to alter splicing and produce an abnormal transcript [SpliceAI: 0.76 (>=0.2, moderate evidence for spliceogenicity)]. Therefore, this variant is classified as VUS according to the recommendation of ACMG/AMP guideline.

NM_000256.3(MYBPC3):c.2961C>A (p.Val987=)

Gene: MYBPC3 (myosin binding protein C3; minus strand). Cytogenetic location: 11p11.2.
Variant type: single nucleotide variant.
Coding change: c.2961C>A on transcript NM_000256.3 (MANE Select); coding-DNA position 2961, C replaced by A.
Protein change: p.Val987=; no amino-acid change (valine 987 retained).
Molecular consequence: synonymous variant.
Genome position (GRCh38, 1-based): chr11:47,333,955, G>T on the plus strand (C>A on the coding strand, the complement: MYBPC3 is on the minus strand). VCF-style: chr11-47333955-G-T. GRCh37 (hg19) VCF-style: chr11-47355506-G-T.
Identifiers: ClinVar variation 3775301 (VCV003775301.1).